The following is an entry in ClinVar:

NM_017763.6(RNF43):c.1862A>T (p.Glu621Val)

Gene: RNF43 (ring finger protein 43; minus strand). Cytogenetic location: 17q22.
Variant type: single nucleotide variant.
Coding change: c.1862A>T on transcript NM_017763.6 (MANE Select); coding-DNA position 1862, A replaced by T.
Protein change: p.Glu621Val; replaces glutamic acid 621 with valine.
Molecular consequence: missense variant.
Genome position (GRCh38, 1-based): chr17:58,357,914, T>A on the plus strand (A>T on the coding strand, the complement: RNF43 is on the minus strand). VCF-style: chr17-58357914-T-A. GRCh37 (hg19) VCF-style: chr17-56435275-T-A.
Other names: c.1862A>T, p.Glu621Val (NM_001305544.3); c.1481A>T, p.Glu494Val (NM_001305545.2); short protein forms E621V, E494V.
Identifiers: ClinVar variation 1394366 (VCV001394366.7), dbSNP rs2143397712, ClinGen allele CA400387165.

ClinVar aggregate classification (germline): Uncertain significance. Review status: criteria provided, multiple submitters, no conflicts (2 of 4 stars). 2 submissions from 2 submitters: Uncertain significance (2). Last evaluated 2025-04-08.

Allele frequency attached by ClinVar (database versions not stated): gnomAD exomes 0.00001.
gnomAD v4.1: 11 of 1,613,612 alleles (0.00068%); highest among the groups gnomAD compares: Non-Finnish European, 0.00093%; no homozygotes.

Submissions (2):

Labcorp Genetics (formerly Invitae), Labcorp
Classification: Uncertain significance. Last evaluated: 2025-04-08. Review status: criteria provided, single submitter. Criteria: Invitae Variant Classification Sherloc (09022015). Collection method: clinical testing. Allele origin: germline.
Comment: This sequence change replaces glutamic acid, which is acidic and polar, with valine, which is neutral and non-polar, at codon 621 of the RNF43 protein (p.Glu621Val). This variant is not present in population databases (gnomAD no frequency). This variant has not been reported in the literature in individuals affected with RNF43-related conditions. ClinVar contains an entry for this variant (Variation ID: 1394366). An algorithm developed to predict the effect of missense changes on protein structure and function (PolyPhen-2) suggests that this variant is likely to be disruptive. In summary, the available evidence is currently insufficient to determine the role of this variant in disease. Therefore, it has been classified as a Variant of Uncertain Significance.

Ambry Genetics
Classification: Uncertain significance. Last evaluated: 2025-01-06. Review status: criteria provided, single submitter. Criteria: Ambry Variant Classification Scheme 2023. Collection method: clinical testing. Allele origin: germline.
Comment: The p.E621V variant (also known as c.1862A>T), located in coding exon 8 of the RNF43 gene, results from an A to T substitution at nucleotide position 1862. The glutamic acid at codon 621 is replaced by valine, an amino acid with dissimilar properties. This amino acid position is conserved. In addition, this alteration is predicted to be tolerated by in silico analysis. Based on the available evidence, the clinical significance of this variant remains unclear.